The following is an entry in ClinVar:

ClinVar aggregate classification (germline): Uncertain significance. Review status: criteria provided, multiple submitters, no conflicts (2 of 4 stars). 4 submissions from 4 submitters: Uncertain significance (4). Last evaluated 2025-06-10.

Allele frequency attached by ClinVar (database versions not stated): 1000 Genomes Project 30x 0.00031; gnomAD exomes 0.00001; gnomAD 0.00005; TOPMed 0.00008; 1000 Genomes Project 0.00020.
gnomAD v4.1: 11 of 1,613,662 alleles (0.00068%); highest among the groups gnomAD compares: Admixed American, 0.017%; no homozygotes.

Submissions (4):

GeneDx
Classification: Uncertain significance. Last evaluated: 2025-06-10. Review status: criteria provided, single submitter. Criteria: GeneDx Variant Classification Process June 2021. Collection method: clinical testing. Allele origin: germline. Affected: yes.
Comment: Not observed at significant frequency in large population cohorts (gnomAD); Missense variant in a gene in which most reported pathogenic variants are truncating/loss of function; Has not been previously published as pathogenic or benign to our knowledge

Women's Health and Genetics/Laboratory Corporation of America, LabCorp
Classification: Uncertain significance. Last evaluated: 2025-02-28. Review status: criteria provided, single submitter. Criteria: LabCorp Variant Classification Summary - May 2015. Collection method: clinical testing. Allele origin: germline.

Revvity Omics, Revvity
Classification: Uncertain significance. Last evaluated: 2019-04-18. Review status: criteria provided, single submitter. Criteria: ACMG Guidelines, 2015. Collection method: clinical testing. Allele origin: germline.

Eurofins Ntd Llc (ga)
Classification: Uncertain significance. Last evaluated: 2018-07-03. Review status: criteria provided, single submitter. Criteria: EGL ClinVar v180209 classification definitions. Collection method: clinical testing. Allele origin: germline. Observed: 1 variant allele, 1 heterozygote.

NM_001267550.2(TTN):c.85484A>T (p.His28495Leu)

Genes: TTN (titin; minus strand), TTN-AS1 (TTN antisense RNA 1; plus strand). Cytogenetic location: 2q31.2.
Variant type: single nucleotide variant.
Coding change: c.85484A>T on transcript NM_001267550.2 (MANE Select); coding-DNA position 85484, A replaced by T.
Protein change: p.His28495Leu; replaces histidine 28495 with leucine.
Molecular consequence: missense variant.
Genome position (GRCh38, 1-based): chr2:178,560,648, T>A on the plus strand (A>T on the coding strand, the complement: TTN is on the minus strand). VCF-style: chr2-178560648-T-A. GRCh37 (hg19) VCF-style: chr2-179425375-T-A.
Other names: c.85484A>T (NM_001267550.1); c.80561A>T, p.His26854Leu (NM_001256850.1); c.58289A>T, p.His19430Leu (NM_003319.4); c.77780A>T, p.His25927Leu (NM_133378.4); c.58664A>T, p.His19555Leu (NM_133432.3); c.58865A>T, p.His19622Leu (NM_133437.4); short protein forms H25927L, H28495L, H19622L, H19555L, H19430L, H26854L.
Identifiers: ClinVar variation 597769 (VCV000597769.10), dbSNP rs554119186, ClinGen allele CA60984659.